The following is an entry in ClinVar:

NM_000363.5(TNNI3):c.273G>A (p.Ala91=)

Gene: TNNI3 (troponin I3, cardiac type; minus strand). Cytogenetic location: 19q13.42.
Variant type: single nucleotide variant.
Coding change: c.273G>A on transcript NM_000363.5 (MANE Select); coding-DNA position 273, G replaced by A.
Protein change: p.Ala91=; no amino-acid change (alanine 91 retained).
Molecular consequence: synonymous variant.
Genome position (GRCh38, 1-based): chr19:55,156,210, C>T on the plus strand (G>A on the coding strand, the complement: TNNI3 is on the minus strand). VCF-style: chr19-55156210-C-T. GRCh37 (hg19) VCF-style: chr19-55667578-C-T.
Other names: p.Ala91=.
Identifiers: ClinVar variation 43372 (VCV000043372.40), dbSNP rs75491697, ClinGen allele CA021456.
Genomic context (GRCh38, chr19:55,156,210, plus strand): 5'-TGTACTGCTGAATTCCGGGACTAGAAACCTCGCATCCTTGGGAGCCGGTACCTGCAGCTC[C>T]GCGAAGCCCAGCCCGGCCAACTCCAGCGGCTGGCAGCGGGTGCTCAGAGCGCGCCCCTTC-3'
Protein context (NP_000354.4, residues 81-101): QPLELAGLGF[Ala91=]ELQDLCRQLH

ClinVar aggregate classification (germline): Conflicting classifications of pathogenicity. Review status: criteria provided, conflicting classifications (1 of 4 stars). 19 submissions from 16 submitters: Uncertain significance (1); Benign (9); Likely benign (7). 2 of the submissions do not count toward it. Last evaluated 2026-06-01.

Conditions:
Familial Hypertrophic Cardiomyopathy with Wolff-Parkinson-White Syndrome. Identifiers: MedGen CN239247.
Cardiovascular phenotype. Identifiers: MedGen CN230736.
Cardiomyopathy (CMYO). Also called: Cardiomyopathies. Identifiers: Orphanet 167848, MedGen C0878544, MONDO:0004994, HP:0001638. Inheritance: Various modes of inheritance.
Cardiomyopathy, familial restrictive, 1. Identifiers: Orphanet 75249, MedGen C1861861, MONDO:0007270, OMIM 115210.
Dilated cardiomyopathy 2A (CMD2A). Also called: CARDIOMYOPATHY, CONGESTIVE, AUTOSOMAL RECESSIVE; CARDIOMYOPATHY, DILATED, AUTOSOMAL RECESSIVE. Identifiers: Orphanet 154, MedGen C2678474, MONDO:0012746, OMIM 611880.
Hypertrophic cardiomyopathy 7. Also called: TNNI3-Related Familial Hypertrophic Cardiomyopathy; Familial hypertrophic cardiomyopathy 7; CARDIOMYOPATHY, FAMILIAL HYPERTROPHIC, 7, MODIFIER OF. Identifiers: MedGen C1860752, MONDO:0013369, OMIM 613690.
Hypertrophic cardiomyopathy. Also called: HYPERTROPHIC MYOCARDIOPATHY. Identifiers: Orphanet 217569, MedGen C0007194, MeSH D002312, MONDO:0005045, HP:0001639.

Allele frequency attached by ClinVar (database versions not stated): TOPMed 0.00197; gnomAD 0.00198 and 0.00188; 1000 Genomes Project 0.00200; 1000 Genomes Project 30x 0.00297; gnomAD exomes 0.00016 and 0.00036; ExAC 0.00042; ESP Exome Variant Server 0.00151.

Submissions (19):

CeGaT Center for Human Genetics Tuebingen
Classification: Likely benign. Last evaluated: 2026-06-01. Review status: criteria provided, single submitter. Criteria: CeGaT Center For Human Genetics Tuebingen Variant Classification Criteria Version 2. Collection method: clinical testing. Allele origin: germline. Affected: yes. Observed: 1 variant allele.
Comment: TNNI3: BP4, BP7

Labcorp Genetics (formerly Invitae), Labcorp
Classification: Benign for Hypertrophic cardiomyopathy. Last evaluated: 2026-02-01. Review status: criteria provided, single submitter. Criteria: Invitae Variant Classification Sherloc (09022015). Collection method: clinical testing. Allele origin: germline.

ARUP Laboratories, Molecular Genetics and Genomics, ARUP Laboratories
Classification: Benign. Last evaluated: 2025-05-20. Review status: criteria provided, single submitter. Criteria: ARUP Molecular Germline Variant Investigation Process 2024. Collection method: clinical testing. Allele origin: germline.

Molecular Diagnostic Laboratory for Inherited Cardiovascular Disease, Montreal Heart Institute
Classification: Benign. Last evaluated: 2025-04-09. Review status: criteria provided, single submitter. Criteria: ACMG Guidelines, 2015. Collection method: clinical testing. Allele origin: germline. Affected: no.
Comment: BS1;BP6;BP7

Mayo Clinic Laboratories, Mayo Clinic
Classification: Likely benign. Last evaluated: 2025-02-03. Review status: criteria provided, single submitter. Criteria: ACMG Guidelines, 2015. Collection method: clinical testing. Allele origin: germline. Observed: 3 variant alleles.
Comment: BS1, BP4, BP7

Blueprint Genetics
Classification: Likely benign. Last evaluated: 2024-06-26. Review status: criteria provided, single submitter. Criteria: ACMG Guidelines, 2015. Collection method: clinical testing. Allele origin: germline.

All of Us Research Program, National Institutes of Health
Classification: Benign for Hypertrophic cardiomyopathy. Last evaluated: 2024-02-05. Review status: criteria provided, single submitter. Criteria: ACMG Guidelines, 2015. Collection method: clinical testing. Allele origin: germline. Inheritance: Autosomal dominant inheritance. Observed: 113 variant alleles, 113 heterozygotes.
Comment: This study involves interpretation of variants in research participants for the purpose of population health screening. Participant phenotype was not available at the time of variant classification. Additional details can be found in publication PMID: 35346344, PMCID: PMC8962531

Ambry Genetics
Classification: Likely benign for Cardiovascular phenotype. Last evaluated: 2019-09-25. Review status: criteria provided, single submitter. Criteria: Ambry Variant Classification Scheme 2023. Collection method: clinical testing. Allele origin: germline.

Color Diagnostics, LLC DBA Color Health
Classification: Benign for Cardiomyopathy. Last evaluated: 2018-10-08. Review status: criteria provided, single submitter. Criteria: ACMG Guidelines, 2015. Collection method: clinical testing. Allele origin: germline.

Illumina Laboratory Services, Illumina
Classification: Likely benign for Cardiomyopathy, familial restrictive, 1. Last evaluated: 2018-01-13. Review status: criteria provided, single submitter. Criteria: ICSL Variant Classification Criteria 13 December 2019. Collection method: clinical testing. Allele origin: germline.
Comment: This variant was observed in the ICSL laboratory as part of a predisposition screen in an ostensibly healthy population. It had not been previously curated by ICSL or reported in the Human Gene Mutation Database (HGMD: prior to June 1st, 2018), and was therefore a candidate for classification through an automated scoring system. Utilizing variant allele frequency, disease prevalence and penetrance estimates, and inheritance mode, an automated score was calculated to assess if this variant is too frequent to cause the disease. Based on the score and internal cut-off values, a variant classified as likely benign is not then subjected to further curation. The score for this variant resulted in a classification of likely benign for this disease.

Illumina Laboratory Services, Illumina
Classification: Likely benign for Hypertrophic cardiomyopathy 7. Last evaluated: 2018-01-13. Review status: criteria provided, single submitter. Criteria: ICSL Variant Classification Criteria 13 December 2019. Collection method: clinical testing. Allele origin: germline.
Comment: the same text as in the submission from Illumina Laboratory Services, Illumina above.

Illumina Laboratory Services, Illumina
Classification: Uncertain significance for Dilated cardiomyopathy 2A. Last evaluated: 2018-01-13. Review status: criteria provided, single submitter. Criteria: ICSL Variant Classification Criteria 13 December 2019. Collection method: clinical testing. Allele origin: germline.

Illumina Laboratory Services, Illumina
Classification: Likely benign for Familial Hypertrophic Cardiomyopathy with Wolff-Parkinson-White Syndrome. Last evaluated: 2018-01-13. Review status: criteria provided, single submitter. Criteria: ICSL Variant Classification Criteria 13 December 2019. Collection method: clinical testing. Allele origin: germline.
Comment: the same text as in the submission from Illumina Laboratory Services, Illumina above.

Women's Health and Genetics/Laboratory Corporation of America, LabCorp
Classification: Benign. Last evaluated: 2017-09-05. Review status: criteria provided, single submitter. Criteria: LabCorp Variant Classification Summary - May 2015. Collection method: clinical testing. Allele origin: germline.
Comment: Variant summary: The TNNI3 c.273G>A (p.Ala91Ala) variant involves the alteration of a non-conserved nucleotide, resulting in a synonymous change. MutationTaster predicts a damaging outcome for this variant. 3/5 splice prediction tools predict no significant impact on normal splicing. ESE finder predicts that this variant may affect ESE sites at the locus. However, these predictions have yet to be confirmed by functional studies. This variant was found in 48/113142 control chromosomes from all ethnicities, but was predominantly observed in the African subpopulation at a frequency of 0.005606 (46/8206). This frequency is about 45 times the estimated maximal expected allele frequency of a pathogenic TNNI3 variant (0.000125), strongly suggesting this is likely a benign polymorphism found primarily in the populations of African origin. Additionally, multiple clinical diagnostic laboratories/reputable databases have classified this variant as benign. The variant of interest has not, to our knowledge, been reported in affected individuals via publications nor evaluated for functional impact by in vivo/vitro studies. Taken together, this variant is classified as benign.

Eurofins Ntd Llc (ga)
Classification: Benign. Last evaluated: 2015-04-09. Review status: criteria provided, single submitter. Criteria: EGL Classification Definitions 2015. Collection method: clinical testing. Allele origin: germline. Observed: 1 variant allele, 1 heterozygote.

GeneDx
Classification: Benign. Last evaluated: 2015-03-03. Review status: criteria provided, single submitter. Criteria: GeneDx Variant Classification Process June 2021. Collection method: clinical testing. Allele origin: germline. Affected: yes.

Laboratory for Molecular Medicine, Mass General Brigham Personalized Medicine
Classification: Benign. Last evaluated: 2012-04-04. Review status: criteria provided, single submitter. Criteria: LMM Criteria. Collection method: clinical testing. Allele origin: germline. Observed: 6 variant alleles.
Comment: Ala91Ala in Exon 05 of TNNI3: This variant is not expected to have clinical sign ificance because it does not alter an amino acid residue, is not located within the splice consensus sequence and has been identified in 0.5% (14/2998) of Afric an American chromosomes from a broad population by the NHLBI Exome Sequencing Pr oject (dbSNP rs75491697).

Clinical Genetics DNA and cytogenetics Diagnostics Lab, Erasmus MC, Erasmus Medical Center
Classification: Likely benign. Review status: no assertion criteria provided. Collection method: clinical testing. Allele origin: germline. Affected: yes. Study: VKGL Data-share Consensus. Not counted in ClinVar's aggregate classification.

Clinical Genetics, Academic Medical Center
Classification: Benign. Review status: no assertion criteria provided. Collection method: clinical testing. Allele origin: germline. Affected: yes. Study: VKGL Data-share Consensus. Not counted in ClinVar's aggregate classification.